The following is an entry in ClinVar:

ClinVar aggregate classification (germline): Pathogenic. Review status: criteria provided, multiple submitters, no conflicts (2 of 4 stars). 9 submissions from 8 submitters: Pathogenic (7). 2 of the submissions do not count toward it. Last evaluated 2026-02-11.

Conditions:
Frasier syndrome. Identifiers: Orphanet 347, MedGen C0950122, MeSH D052159, MONDO:0007635, OMIM 136680.
Wilms tumor 1 (WT1). Also called: Wilms tumor, somatic. Identifiers: Orphanet 654, MedGen CN033288, MONDO:0008679, OMIM 194070.
11p partial monosomy syndrome (WAGR). Also called: CHROMOSOME 11p13 DELETION SYNDROME; WAGR Spectrum Disorder; WAGR syndrome; WAGR Complex. Identifiers: Orphanet 893, MedGen C0206115, MONDO:0008681, OMIM 194072.
Drash syndrome (DDS). Also called: NEPHROPATHY, WILMS TUMOR, AND GENITAL ANOMALIES; WILMS TUMOR AND PSEUDO- OR TRUE HERMAPHRODITISM. Identifiers: Orphanet 220, MedGen C0950121, MONDO:0008682, OMIM 194080.
Nephrotic syndrome, type 4 (NPHS4). Also called: Familial mesangial sclerosis; Nephrotic syndrome, early onset with diffuse mesangial sclerosis. Identifiers: Orphanet 656, MedGen C3151568, MONDO:0009733, OMIM 256370.
Mesothelioma, malignant (MESOM). Also called: Malignant mesothelioma (disease). Identifiers: Orphanet 50251, MedGen C0345967, MONDO:0006292, OMIM 156240, HP:0100001.
Meacham syndrome. Also called: Meacham Winn Culler syndrome. Identifiers: Orphanet 3097, MedGen C1837026, MONDO:0012164, OMIM 608978.
Focal segmental glomerulosclerosis (FSGS). Also called: Glomerulosclerosis, focal; Focal sclerosis with hyalinosis. Identifiers: MedGen C0017668, MONDO:0100313, HP:0000097. Disease mechanism: loss of function.

Allele frequency attached by ClinVar (database versions not stated): TOPMed below 0.00001; gnomAD 0.00001.
gnomAD v4.1: 1 of 1,613,764 alleles (0.000062%); highest among the groups gnomAD compares: Non-Finnish European, 0.000085%; no homozygotes.

Submissions (9):

St. Jude Molecular Pathology, St. Jude Children's Research Hospital
Classification: Pathogenic for Wilms tumor 1. Last evaluated: 2026-02-11. Review status: criteria provided, single submitter. Criteria: St. Jude Assertion Criteria 2020. Collection method: clinical testing. Allele origin: germline.
Comment: The WT1 c.1336C>T p.(Arg446Ter) change is a nonsense variant that is predicted to cause premature protein truncation and loss of normal protein function. This variant has been reported in individuals with Wilms tumor and Denys-Drash syndrome (PMID: 9108089, 19205749, 21851196, 25818337, 31278746, 38110397) where the variant was de novo in at least one individual. This variant is absent in gnomAD v2.1.1. In summary, this variant meets criteria to be classified as pathogenic.

Labcorp Genetics (formerly Invitae), Labcorp
Classification: Pathogenic for Wilms tumor 1; Drash syndrome; 11p partial monosomy syndrome; Frasier syndrome. Last evaluated: 2025-10-20. Review status: criteria provided, single submitter. Criteria: Invitae Variant Classification Sherloc (09022015). Collection method: clinical testing. Allele origin: germline.
Comment: This sequence change creates a premature translational stop signal (p.Arg458*) in the WT1 gene. It is expected to result in an absent or disrupted protein product. Loss-of-function variants in WT1 are known to be pathogenic (PMID: 15150775). This variant is not present in population databases (gnomAD no frequency). This premature translational stop signal has been observed in individuals with Wilms tumor and Denys-Drash syndrome (PMID: 9108089, 10571943, 12471221, 15150775, 21508141, 21851196, 23117548, 23515051). Invitae Evidence Modeling of clinical and family history, age, sex, and reported ancestry of multiple individuals with this WT1 variant has been performed. This variant is expected to be pathogenic with a positive predictive value of at least 99%. This is a validated machine learning model that incorporates the clinical features of 503,186 individuals referred to our laboratory for WT1 testing. This variant is also known as p.Arg390*. ClinVar contains an entry for this variant (Variation ID: 3494). For these reasons, this variant has been classified as Pathogenic.

3billion
Classification: Pathogenic for Drash syndrome. Last evaluated: 2025-06-02. Review status: criteria provided, single submitter. Criteria: ACMG Guidelines, 2015. Collection method: clinical testing. Allele origin: germline. Affected: yes.
Comment: The variant is observed at an extremely low frequency in the gnomAD v4.1.0 dataset (total allele frequency: <0.001%). Predicted Consequence/Location: Stop-gained (nonsense): predicted to result in a loss or disruption of normal protein function through nonsense-mediated decay (NMD) or protein truncation. Multiple pathogenic variants are reported downstream of the variant. The variant has been reported at least twice as pathogenic with clinical assertions and evidence for the classification (ClinVar ID: VCV000003494 /PMID: 9108089). Therefore, this variant is classified as Pathogenic according to the recommendation of ACMG/AMP guideline.

Fulgent Genetics
Classification: Pathogenic for Frasier syndrome; Mesothelioma, malignant; Wilms tumor 1; Drash syndrome; Nephrotic syndrome, type 4; Meacham syndrome. Last evaluated: 2024-04-04. Review status: criteria provided, single submitter. Criteria: ACMG Guidelines, 2015. Collection method: clinical testing. Allele origin: germline.

GeneDx
Classification: Pathogenic. Last evaluated: 2024-02-27. Review status: criteria provided, single submitter. Criteria: GeneDx Variant Classification Process June 2021. Collection method: clinical testing. Allele origin: germline. Affected: yes.
Comment: Nonsense variant predicted to result in protein truncation or nonsense mediated decay in a gene for which loss of function is a known mechanism of disease; Published functional studies demonstrate a damaging effect: reduced DNA binding affinity (PMID: 35610319); Not observed at significant frequency in large population cohorts (gnomAD); Also known as c.1387C>T; p.(R463*); This variant is associated with the following publications: (PMID: 15150775, 23117548, 12471221, 27701157, 8388765, 1317572, 21508141, 23515051, 19205749, 21851196, 9108089, 25818337, 10571943, 29869118, 30712057, 31278746, 34031707, 34308104, 25525159, 35610319, 34845858)

Genome Diagnostics Laboratory, The Hospital for Sick Children
Classification: Pathogenic for Focal segmental glomerulosclerosis. Last evaluated: 2022-02-24. Review status: criteria provided, single submitter. Criteria: ACMG Guidelines, 2015. Collection method: clinical testing. Allele origin: germline.

Athena Diagnostics
Classification: Pathogenic. Last evaluated: 2020-12-01. Review status: criteria provided, single submitter. Criteria: Athena Diagnostics criteria. Collection method: clinical testing. Allele origin: unknown.
Comment: This variant is expected to result in the loss of a functional protein. This variant was not reported in large, multi-ethnic, general populations. This variant appears to occur de novo in multiple individuals with clinical features associated with this gene.

OMIM
Classification: Pathogenic for FRASIER SYNDROME. Last evaluated: 1999-01-01. Review status: no assertion criteria provided. Collection method: literature only. Allele origin: germline. Not counted in ClinVar's aggregate classification.

OMIM
Classification: Pathogenic for WILMS TUMOR 1. Last evaluated: 1997-04-15. Review status: no assertion criteria provided. Collection method: literature only. Allele origin: unknown. Not counted in ClinVar's aggregate classification.

Literature cited by the submitters: PubMed 15150775 (cited by Labcorp Genetics (formerly Invitae), Labcorp and Athena Diagnostics); PubMed 9108089 (cited by 4 submitters); PubMed 10571943 (cited by 3 submitters); PubMed 12471221 (cited by Labcorp Genetics (formerly Invitae), Labcorp and Athena Diagnostics); PubMed 21508141 (cited by Labcorp Genetics (formerly Invitae), Labcorp and Athena Diagnostics); PubMed 21851196 (cited by Labcorp Genetics (formerly Invitae), Labcorp and Athena Diagnostics); PubMed 23117548 (cited by Labcorp Genetics (formerly Invitae), Labcorp and Athena Diagnostics); PubMed 23515051 (cited by Labcorp Genetics (formerly Invitae), Labcorp and Athena Diagnostics); PubMed 19205749 (cited by Athena Diagnostics); PubMed 25818337 (cited by Athena Diagnostics); PubMed 15483024 (cited by Athena Diagnostics); PubMed 19221039 (cited by Athena Diagnostics); PubMed 21504297 (cited by Athena Diagnostics); PubMed 20595692 (cited by Athena Diagnostics); PubMed 9531607 (cited by Athena Diagnostics); PubMed 11241055 (cited by Athena Diagnostics); PubMed 18618575 (cited by Athena Diagnostics); PubMed 11738793 (cited by Athena Diagnostics); PubMed 7795587 (cited by OMIM); PubMed 8388765 (cited by OMIM).

NM_024426.6(WT1):c.1387C>T (p.Arg463Ter)

Gene: WT1 (WT1 transcription factor; minus strand). Cytogenetic location: 11p13.
Variant type: single nucleotide variant.
Coding change: c.1387C>T on transcript NM_024426.6 (MANE Select); coding-DNA position 1387, C replaced by T.
Protein change: p.Arg463Ter; replaces arginine 463 with a stop codon.
Molecular consequence: nonsense. On other transcripts: non-coding transcript variant (1).
Genome position (GRCh38, 1-based): chr11:32,392,032, G>A on the plus strand (C>T on the coding strand, the complement: WT1 is on the minus strand). VCF-style: chr11-32392032-G-A. GRCh37 (hg19) VCF-style: chr11-32413578-G-A.
Other names: R390*; c.1336C>T, p.Arg446Ter (NM_000378.6, NM_001407045.1); c.736C>T, p.Arg246Ter (NM_001198551.2); c.685C>T, p.Arg229Ter (NM_001198552.2); c.199C>T, p.Arg67Ter (NM_001367854.1); c.1381C>T, p.Arg461Ter (NM_001407044.1); c.1264C>T, p.Arg422Ter (NM_001407047.1); c.1246C>T, p.Arg416Ter (NM_001407048.1); and 4 more; short protein forms R246*, R229*, R446*, R463*, R67*, R209*, R461*, R416*.
Identifiers: ClinVar variation 3494 (VCV000003494.21), dbSNP rs121907909, ClinGen allele CA016309.